The following is an entry in ClinVar:

ClinVar aggregate classification (germline): Uncertain significance (1 of 4 stars; one submission).

Submission:

GeneDx
Classification: Uncertain significance. Last evaluated: 2024-06-08. Review status: criteria provided, single submitter. Criteria: GeneDx Variant Classification Process June 2021. Collection method: clinical testing. Allele origin: germline. Affected: yes.
Comment: Not observed at significant frequency in large population cohorts (gnomAD); In silico analysis supports that this missense variant has a deleterious effect on protein structure/function; In silico analysis is inconclusive as to whether the variant alters gene splicing. In the absence of RNA/functional studies, the actual effect of this sequence change is unknown.; Occurs in the triple helical domain at the Y position in the canonical Gly-X-Y repeat; although this variant may have an effect on normal protein folding and function, missense substitution at the Y position is not a common mechanism of disease (HGMD); Has not been previously published as pathogenic or benign to our knowledge

NM_000089.4(COL1A2):c.3087A>C (p.Gln1029His)

Gene: COL1A2 (collagen type I alpha 2 chain; plus strand). Cytogenetic location: 7q21.3.
Variant type: single nucleotide variant.
Coding change: c.3087A>C on transcript NM_000089.4 (MANE Select); coding-DNA position 3087, A replaced by C.
Protein change: p.Gln1029His; replaces glutamine 1029 with histidine.
Molecular consequence: missense variant.
Genome position (GRCh38, 1-based): chr7:94,426,512, A>C. VCF-style: chr7-94426512-A-C. GRCh37 (hg19) VCF-style: chr7-94055824-A-C.
Other names: short protein forms Q1029H.
Identifiers: ClinVar variation 3390740 (VCV003390740.1).
Genomic context (GRCh38, chr7:94,426,512, plus strand): 5'-AGAGCCCGGTGAAAAGGGGCCCAGAGGTCTTCCTGGCTTAAAGGGACACAATGGATTGCA[A>C]GGTCTGCCTGGTATCGCTGTAAGTAAACTGTAGCCATCTCGCACATAAACTGATCCTGAA-3'
Protein context (NP_000080.2, residues 1019-1039): LPGLKGHNGL[Gln1029His]GLPGIAGHHG